The following is an entry in ClinVar:

NM_022124.6(CDH23):c.502C>T (p.Leu168Phe)

Gene: CDH23 (cadherin related 23; plus strand). Cytogenetic location: 10q22.1.
Variant type: single nucleotide variant.
Coding change: c.502C>T on transcript NM_022124.6 (MANE Select); coding-DNA position 502, C replaced by T.
Protein change: p.Leu168Phe; replaces leucine 168 with phenylalanine.
Molecular consequence: missense variant.
Genome position (GRCh38, 1-based): chr10:71,566,814, C>T. VCF-style: chr10-71566814-C-T. GRCh37 (hg19) VCF-style: chr10-73326571-C-T.
Other names: c.502C>T, p.Leu168Phe (NM_001171930.2, NM_001171931.2, NM_001171932.2 and 1 more transcripts); short protein forms L168F.
Identifiers: ClinVar variation 4989654 (VCV004989654.1).
Genomic context (GRCh38, chr10:71,566,814, plus strand): 5'-GGGACGCCCATCTTCATCGTGAATGCCACAGACCCCGACTTGGGGGCAGGGGGCAGCGTC[C>T]TCTACTCCTTCCAGCCCCCCTCCCAATTCTTCGCCATTGACAGCGCCCGCGGTATCGTCA-3'
Protein context (NP_071407.4, residues 158-178): DPDLGAGGSV[Leu168Phe]YSFQPPSQFF

ClinVar aggregate classification (germline): Uncertain significance (1 of 4 stars; one submission).

Conditions:
CDH23-related disorder. Also called: CDH23-related disorders; CDH23-related condition.

gnomAD v4.1: 3 of 1,613,982 alleles (0.00019%); highest among the groups gnomAD compares: Non-Finnish European, 0.00017%; no homozygotes.

Submission:

PreventionGenetics, part of Exact Sciences
Classification: Uncertain significance for CDH23-related condition. Last evaluated: 2025-11-24. Review status: criteria provided, single submitter. Criteria: ACMG Guidelines, 2015. Collection method: clinical testing. Allele origin: germline.
Comment: The CDH23 c.502C>T variant is predicted to result in the amino acid substitution p.Leu168Phe. To our knowledge, this variant has not been reported in the literature or in a large population database (gnomAD), indicating this variant is rare. At this time, the clinical significance of this variant is uncertain due to the absence of conclusive functional and genetic evidence.